The following is an entry in ClinVar:

NM_199420.4(POLQ):c.3059C>T (p.Ser1020Leu)

Gene: POLQ (DNA polymerase theta; minus strand). Cytogenetic location: 3q13.33.
Variant type: single nucleotide variant.
Coding change: c.3059C>T on transcript NM_199420.4 (MANE Select); coding-DNA position 3059, C replaced by T.
Protein change: p.Ser1020Leu; replaces serine 1020 with leucine.
Molecular consequence: missense variant.
Genome position (GRCh38, 1-based): chr3:121,489,872, G>A on the plus strand (C>T on the coding strand, the complement: POLQ is on the minus strand). VCF-style: chr3-121489872-G-A. GRCh37 (hg19) VCF-style: chr3-121208719-G-A.
Other names: short protein forms S1020L.
Identifiers: ClinVar variation 1799327 (VCV001799327.3), dbSNP rs1472295465, ClinGen allele CA354103217.

ClinVar aggregate classification (germline): Uncertain significance (1 of 4 stars; one submission).

Allele frequency attached by ClinVar (database versions not stated): gnomAD exomes below 0.00001; TOPMed below 0.00001; gnomAD 0.00001.
gnomAD v4.1: 8 of 1,605,544 alleles (0.0005%); highest among the groups gnomAD compares: Non-Finnish European, 0.00034%; no homozygotes.

Submission:

Ambry Genetics
Classification: Uncertain significance. Last evaluated: 2024-09-08. Review status: criteria provided, single submitter. Criteria: Ambry Variant Classification Scheme 2023. Collection method: clinical testing. Allele origin: germline.
Comment: The p.S1020L variant (also known as c.3059C>T), located in coding exon 16 of the POLQ gene, results from a C to T substitution at nucleotide position 3059. The serine at codon 1020 is replaced by leucine, an amino acid with dissimilar properties. This amino acid position is conserved. In addition, this alteration is predicted to be tolerated by in silico analysis. Since supporting evidence is limited at this time, the clinical significance of this alteration remains unclear.